The following is an entry in ClinVar:

ClinVar aggregate classification (germline): Pathogenic (1 of 4 stars; one submission).

Conditions:
Severe combined immunodeficiency disease. Also called: Severe combined immunodeficiency; Severe Combined Immune Deficiency. Identifiers: Orphanet 183660, MedGen C0085110, MeSH D016511, MONDO:0015974, HP:0004430. Inheritance: X-Linked or Autosomal recessive.

Submission:

Women's Health and Genetics/Laboratory Corporation of America, LabCorp
Classification: Pathogenic for Severe combined immunodeficiency disease. Last evaluated: 2026-04-28. Review status: criteria provided, single submitter. Criteria: LabCorp Variant Classification Summary - May 2015. Collection method: clinical testing. Allele origin: germline.
Comment: Variant summary: The variant involves the deletion of exons 1-12 in the ADA gene. This deletion includes the entire coding sequence of the gene. As the exact proximal and distal breakpoints are unknown, it may extend beyond the annotated region of the gene to include other flanking genes. Loss-of-function variants in this gene are known to be pathogenic. A presumed nomenclature of c.(?_-93)_(*313_?)del has been designated for the purposes of this classification. The variant was absent in 21694 control chromosomes (gnomAD). To our knowledge, no occurrence of c.(?_-93)_(*313_?)del in individuals affected with ADA-related conditions and no experimental evidence demonstrating its impact on protein function have been reported. ClinVar contains an entry for this variant (Variation ID: 1456866). Based on the evidence outlined above, the variant was classified as pathogenic.

NC_000020.10:g.(?_43248162)_(43280341_?)del

Gene: ADA (adenosine deaminase; minus strand). Cytogenetic location: 20q13.12.
Variant type: Deletion.
Identifiers: ClinVar variation 4848662 (VCV004848662.1).